The following is an entry in ClinVar:

NM_183357.3(ADCY5):c.663C>G (p.Phe221Leu)

Gene: ADCY5 (adenylate cyclase 5; minus strand). Cytogenetic location: 3q21.1.
Variant type: single nucleotide variant.
Coding change: c.663C>G on transcript NM_183357.3 (MANE Select); coding-DNA position 663, C replaced by G.
Protein change: p.Phe221Leu; replaces phenylalanine 221 with leucine.
Molecular consequence: missense variant.
Genome position (GRCh38, 1-based): chr3:123,447,883, G>C on the plus strand (C>G on the coding strand, the complement: ADCY5 is on the minus strand). VCF-style: chr3-123447883-G-C. GRCh37 (hg19) VCF-style: chr3-123166730-G-C.
Other names: c.663C>G, p.Phe221Leu (NM_001378259.1); short protein forms F221L.
Identifiers: ClinVar variation 5019224 (VCV005019224.2).

ClinVar aggregate classification (germline): Uncertain significance (1 of 4 stars; one submission).

Conditions:
Dyskinesia with orofacial involvement, autosomal recessive. Identifiers: MedGen C5562036, MONDO:0030625, OMIM 619647.
Neurodevelopmental disorder with hyperkinetic movements and dyskinesia. Identifiers: MedGen C5562038, MONDO:0859211, OMIM 619651.
Dyskinesia with orofacial involvement, autosomal dominant (DSKOD). Also called: Dyskinesia, familial, with facial myokymia; Familial dyskinesia and facial myokymia; Familial Dyskinesia with Facial Myokymia (FDFM). Identifiers: Orphanet 324588, MedGen C1847627, MONDO:0800028, OMIM 606703.

gnomAD v4.1: 1 of 1,612,360 alleles (0.000062%); highest among the groups gnomAD compares: South Asian, 0.0011%; no homozygotes.

Submission:

Juno Genomics, Hangzhou Juno Genomics, Inc
Classification: Uncertain significance for Dyskinesia with orofacial involvement, autosomal dominant; Dyskinesia with orofacial involvement, autosomal recessive; Neurodevelopmental disorder with hyperkinetic movements and dyskinesia. Review status: criteria provided, single submitter. Criteria: ACMG Guidelines, 2015. Collection method: clinical testing. Allele origin: germline.
Comment: Absent from controls (or at extremely low frequency if recessive) in Genome Aggregation Database.;Missense variant in a gene that has a low rate of benign missense variation.